The following is an entry in ClinVar:

NM_000152.5(GAA):c.1075+4G>A

Gene: GAA (alpha glucosidase; plus strand). Cytogenetic location: 17q25.3.
Variant type: single nucleotide variant.
Coding change: c.1075+4G>A on transcript NM_000152.5 (MANE Select); 4 bases into the intron after coding-DNA position 1075, G replaced by A.
Molecular consequence: intron variant.
Genome position (GRCh38, 1-based): chr17:80,108,413, G>A. VCF-style: chr17-80108413-G-A. GRCh37 (hg19) VCF-style: chr17-78082212-G-A.
Other names: c.1075+4G>A (LRG_673t1, NM_001079803.3, NM_001079804.3).
Identifiers: ClinVar variation 198047 (VCV000198047.13), dbSNP rs754290055, ClinGen allele CA246537.
Genomic context (GRCh38, chr17:80,108,413, plus strand): 5'-ACATCTTCCTGGGCCCAGAGCCCAAGAGCGTGGTGCAGCAGTACCTGGACGTTGTGGGTA[G>A]GGCCTGCTCCCTGGCCGCGGCCCCCGCCCCAAGGCTCCCTCCTCCCTCCCTCATGAAGTC-3'

ClinVar aggregate classification (germline): Uncertain significance. Review status: criteria provided, multiple submitters, no conflicts (2 of 4 stars). 5 submissions from 5 submitters: Uncertain significance (4). 1 of the submissions does not count toward it. Last evaluated 2023-12-26.

Conditions:
Glycogen storage disease, type II (IOPD). Also called: Glycogen storage disease type 2; Acid maltase deficiency disease; Aglucosidase alfa; Deficiency of alpha-glucosidase; Deficiency of lysosomal alpha-glucosidase; POMPE DISEASE, INFANTILE-ONSET. Identifiers: Orphanet 365, MedGen C0017921, MONDO:0009290, OMIM 232300.

Allele frequency attached by ClinVar (database versions not stated): gnomAD exomes below 0.00001 and 0.00001; ExAC 0.00001; gnomAD 0.00001; TOPMed 0.00001.

Submissions (5):

Women's Health and Genetics/Laboratory Corporation of America, LabCorp
Classification: Uncertain significance. Last evaluated: 2023-12-26. Review status: criteria provided, single submitter. Criteria: LabCorp Variant Classification Summary - May 2015. Collection method: clinical testing. Allele origin: germline.

Labcorp Genetics (formerly Invitae), Labcorp
Classification: Uncertain significance for Glycogen storage disease, type II. Last evaluated: 2022-08-16. Review status: criteria provided, single submitter. Criteria: Invitae Variant Classification Sherloc (09022015). Collection method: clinical testing. Allele origin: germline.
Comment: This sequence change falls in intron 6 of the GAA gene. It does not directly change the encoded amino acid sequence of the GAA protein. It affects a nucleotide within the consensus splice site. This variant is present in population databases (rs754290055, gnomAD 0.002%). This variant has not been reported in the literature in individuals affected with GAA-related conditions. ClinVar contains an entry for this variant (Variation ID: 198047). Variants that disrupt the consensus splice site are a relatively common cause of aberrant splicing (PMID: 17576681, 9536098). Algorithms developed to predict the effect of sequence changes on RNA splicing suggest that this variant may create or strengthen a splice site. In summary, the available evidence is currently insufficient to determine the role of this variant in disease. Therefore, it has been classified as a Variant of Uncertain Significance.

Genome-Nilou Lab
Classification: Uncertain significance for Glycogen storage disease, type II. Last evaluated: 2021-09-05. Review status: criteria provided, single submitter. Criteria: ACMG Guidelines, 2015. Collection method: clinical testing. Allele origin: germline. Affected: no.

Eurofins Ntd Llc (ga)
Classification: Uncertain significance. Last evaluated: 2016-05-31. Review status: criteria provided, single submitter. Criteria: EGL Classification Definitions 2015. Collection method: clinical testing. Allele origin: germline. Observed: 2 variant alleles, 2 heterozygotes.

Natera, Inc.
Classification: Uncertain significance for Glycogen storage disease type II. Last evaluated: 2020-09-16. Review status: no assertion criteria provided. Collection method: clinical testing. Allele origin: germline. Not counted in ClinVar's aggregate classification.

Literature cited by the submitters: PubMed 17576681 (cited by Labcorp Genetics (formerly Invitae), Labcorp); PubMed 9536098 (cited by Labcorp Genetics (formerly Invitae), Labcorp).